The following is an entry in ClinVar:

ClinVar aggregate classification (germline): Pathogenic/Likely pathogenic. Review status: criteria provided, multiple submitters, no conflicts (2 of 4 stars). 3 submissions from 2 submitters: Pathogenic (1); Likely pathogenic (1). 1 of the submissions does not count toward it. Last evaluated 2023-03-06.

Conditions:
Idiopathic Pulmonary Fibrosis. Also called: Idiopathic fibrosing alveolitis, chronic form; idiopathic fibrosing alveolitis. Identifiers: Orphanet 2032, MedGen C1800706, MeSH D054990, MONDO:0800504.
Dyskeratosis congenita, autosomal dominant 2. Identifiers: MedGen C3151443, MONDO:0013521, OMIM 613989.
Pulmonary fibrosis. Identifiers: MedGen C0034069, MONDO:0002771, HP:0002206.
Pulmonary fibrosis and/or bone marrow failure, Telomere-related, 1. Also called: PULMONARY FIBROSIS AND/OR BONE MARROW FAILURE SYNDROME, TELOMERE-RELATED, 1. Identifiers: Orphanet 88, MedGen C3553617, MONDO:0013878, OMIM 614742.

Allele frequency attached by ClinVar (database versions not stated): TOPMed 0.00001.

Submissions (3):

Labcorp Genetics (formerly Invitae), Labcorp
Classification: Pathogenic for Dyskeratosis congenita, autosomal dominant 2; Idiopathic Pulmonary Fibrosis. Last evaluated: 2023-03-06. Review status: criteria provided, single submitter. Criteria: Invitae Variant Classification Sherloc (09022015). Collection method: clinical testing. Allele origin: germline.
Comment: This variant is not present in population databases (gnomAD no frequency). This sequence change replaces valine, which is neutral and non-polar, with methionine, which is neutral and non-polar, at codon 867 of the TERT protein (p.Val867Met). This missense change has been observed in individual(s) with pulmonary fibrosis (PMID: 20502709, 21483807). It has also been observed to segregate with disease in related individuals. For these reasons, this variant has been classified as Pathogenic. Experimental studies have shown that this missense change affects TERT function (PMID: 17264120, 20502709, 21483807). Advanced modeling of protein sequence and biophysical properties (such as structural, functional, and spatial information, amino acid conservation, physicochemical variation, residue mobility, and thermodynamic stability) performed at Invitae indicates that this missense variant is expected to disrupt TERT protein function. ClinVar contains an entry for this variant (Variation ID: 242683).

Garcia Pulmonary Genetics Research Laboratory, Columbia University Irving Medical Center
Classification: Likely pathogenic for Pulmonary fibrosis and/or bone marrow failure, Telomere-related, 1. Last evaluated: 2022-05-19. Review status: criteria provided, single submitter. Criteria: ACMG Guidelines, 2015. Collection method: research. Allele origin: germline. Affected: yes. Observed: 1 variant allele.

Garcia Pulmonary Genetics Research Laboratory, Columbia University Irving Medical Center
Classification: Likely risk allele for Pulmonary fibrosis. Last evaluated: 2022-06-09. Review status: no assertion criteria provided. Collection method: research. Allele origin: germline. Affected: yes. Not counted in ClinVar's aggregate classification.
Comment: Leukocyte telomere length (by qPCR) less than 10th percentile age-adjusted

Literature cited by the submitters: PubMed 20502709 (cited by Labcorp Genetics (formerly Invitae), Labcorp); PubMed 21483807 (cited by Labcorp Genetics (formerly Invitae), Labcorp); PubMed 17264120 (cited by Labcorp Genetics (formerly Invitae), Labcorp).

NM_198253.3(TERT):c.2599G>A (p.Val867Met)

Gene: TERT (telomerase reverse transcriptase; minus strand). Cytogenetic location: 5p15.33.
Variant type: single nucleotide variant.
Coding change: c.2599G>A on transcript NM_198253.3 (MANE Select); coding-DNA position 2599, G replaced by A.
Protein change: p.Val867Met; replaces valine 867 with methionine.
Molecular consequence: missense variant. On other transcripts: non-coding transcript variant (2).
Genome position (GRCh38, 1-based): chr5:1,266,519, C>T on the plus strand (G>A on the coding strand, the complement: TERT is on the minus strand). VCF-style: chr5-1266519-C-T. GRCh37 (hg19) VCF-style: chr5-1266634-C-T.
Other names: p.Gly806Asp; c.2599G>A, p.Val867Met (NM_001193376.3); short protein forms V867M.
Identifiers: ClinVar variation 242683 (VCV000242683.44), dbSNP rs201159197, ClinGen allele CA044715.
Genomic context (GRCh38, chr5:1,266,519, plus strand): 5'-CTCACCTGAGGAAGGTTTTCGCGTGGGTGAGGTGAGGTGTCACCAACAAGAAATCATCCA[C>T]CAAACGCAGGAGCAGCCTAAAATAAGGGAAAATACACAGCAAGGTTAACTTTACACTTTT-3'
Protein context (NP_937983.2, residues 857-877): IRRDGLLLRL[Val867Met]DDFLLVTPHL